The following is an entry in ClinVar:

NM_024675.4(PALB2):c.3276C>T (p.Leu1092=)

Gene: PALB2 (partner and localizer of BRCA2; minus strand). Cytogenetic location: 16p12.2.
Variant type: single nucleotide variant.
Coding change: c.3276C>T on transcript NM_024675.4 (MANE Select); coding-DNA position 3276, C replaced by T.
Protein change: p.Leu1092=; no amino-acid change (leucine 1092 retained).
Molecular consequence: synonymous variant.
Genome position (GRCh38, 1-based): chr16:23,607,938, G>A on the plus strand (C>T on the coding strand, the complement: PALB2 is on the minus strand). VCF-style: chr16-23607938-G-A. GRCh37 (hg19) VCF-style: chr16-23619259-G-A.
Identifiers: ClinVar variation 229871 (VCV000229871.28), dbSNP rs779003246, ClinGen allele CA7963390.
Genomic context (GRCh38, chr16:23,607,938, plus strand): 5'-TGGAGGAAGACAGTACAGCATCACACCCACGCTGAGAGTCGTCTTAGGGTTAATCACAAT[G>A]AGCTGAAACACAGGGCTTCGCAACGACTCACTCTCTTTGGCACAGGGATGACTCAGGACA-3'
Protein context (NP_078951.2, residues 1082-1102): SESLRSPVFQ[Leu1092=]IVINPKTTLS

ClinVar aggregate classification (germline): Benign/Likely benign. Review status: criteria provided, multiple submitters, no conflicts (2 of 4 stars). 7 submissions from 7 submitters: Benign (1); Likely benign (5). 1 of the submissions does not count toward it. Last evaluated 2025-03-04.

Conditions:
PALB2-related disorder. Also called: PALB2-related condition; PALB2-related disorders.
Hereditary cancer-predisposing syndrome. Also called: Hereditary neoplastic syndrome; Hereditary Cancer Syndrome; Neoplastic Syndromes, Hereditary; Tumor predisposition. Identifiers: Orphanet 140162, MedGen C0027672, MeSH D009386, MONDO:0015356.
Familial cancer of breast. Also called: Hereditary breast cancer; BREAST CANCER, FAMILIAL; hereditary breast carcinoma. Identifiers: Orphanet 227535, MedGen C0346153, MONDO:0016419, OMIM 114480. Disease mechanism: loss of function.

Allele frequency attached by ClinVar (database versions not stated): gnomAD exomes 0.00001 and below 0.00001; TOPMed 0.00002; ExAC 0.00001; gnomAD 0.00001.
gnomAD v4.1: 8 of 1,613,970 alleles (0.0005%); highest among the groups gnomAD compares: African/African-American, 0.004%; no homozygotes.

Submissions (7):

Center for Genomic Medicine, Rigshospitalet, Copenhagen University Hospital
Classification: Likely benign. Last evaluated: 2025-03-04. Review status: criteria provided, single submitter. Criteria: ACMG Guidelines, 2015. Collection method: clinical testing. Allele origin: germline.

Myriad Genetics, Inc.
Classification: Benign for Familial cancer of breast. Last evaluated: 2025-01-22. Review status: criteria provided, single submitter. Criteria: Myriad Autosomal Dominant, Autosomal Recessive and X-Linked Classification Criteria (2023). Collection method: clinical testing. Allele origin: unknown.
Comment: This variant is considered benign. This variant is a silent/synonymous amino acid change and it is not expected to impact splicing.

Labcorp Genetics (formerly Invitae), Labcorp
Classification: Likely benign for Familial cancer of breast. Last evaluated: 2024-06-10. Review status: criteria provided, single submitter. Criteria: Invitae Variant Classification Sherloc (09022015). Collection method: clinical testing. Allele origin: germline.

Sema4
Classification: Likely benign for Hereditary cancer-predisposing syndrome. Last evaluated: 2021-07-10. Review status: criteria provided, single submitter. Criteria: Sema4 Curation Guidelines. Collection method: curation. Allele origin: germline.

Color Diagnostics, LLC DBA Color Health
Classification: Likely benign for Hereditary cancer-predisposing syndrome. Last evaluated: 2016-12-07. Review status: criteria provided, single submitter. Criteria: ACMG Guidelines, 2015. Collection method: clinical testing. Allele origin: germline.

Ambry Genetics
Classification: Likely benign for Hereditary cancer-predisposing syndrome. Last evaluated: 2014-12-26. Review status: criteria provided, single submitter. Criteria: Ambry Variant Classification Scheme 2023. Collection method: clinical testing. Allele origin: germline.

PreventionGenetics, part of Exact Sciences
Classification: Likely benign for PALB2-related condition. Last evaluated: 2022-05-26. Review status: no assertion criteria provided. Collection method: clinical testing. Allele origin: germline. Not counted in ClinVar's aggregate classification.
Comment: This variant is classified as likely benign based on ACMG/AMP sequence variant interpretation guidelines (Richards et al. 2015 PMID: 25741868, with internal and published modifications).